The following is an entry in ClinVar:

NM_001145809.2(MYH14):c.2233-13C>A

Gene: MYH14 (myosin heavy chain 14; plus strand). Cytogenetic location: 19q13.33.
Variant type: single nucleotide variant.
Coding change: c.2233-13C>A on transcript NM_001145809.2 (MANE Select); 13 bases into the intron before coding-DNA position 2233, C replaced by A.
Molecular consequence: intron variant.
Genome position (GRCh38, 1-based): chr19:50,259,131, C>A. VCF-style: chr19-50259131-C-A. GRCh37 (hg19) VCF-style: chr19-50762388-C-A.
Other names: c.2134-13C>A (NM_001077186.2); c.2110-13C>A (NM_024729.4).
Identifiers: ClinVar variation 329918 (VCV000329918.22), dbSNP rs368249273, ClinGen allele CA9592831.

ClinVar aggregate classification (germline): Conflicting classifications of pathogenicity. Review status: criteria provided, conflicting classifications (1 of 4 stars). 5 submissions from 5 submitters: Uncertain significance (2); Benign (1); Likely benign (2). Last evaluated 2025-08-01.

Conditions:
Autosomal dominant nonsyndromic hearing loss 4A. Also called: Deafness, autosomal dominant 4A. Identifiers: Orphanet 90635, MedGen C1833503, MONDO:0010915, OMIM 600652.

Allele frequency attached by ClinVar (database versions not stated): 1000 Genomes Project 30x 0.00016; ESP Exome Variant Server 0.00016; 1000 Genomes Project 0.00020; gnomAD 0.00034 and 0.00035; gnomAD exomes 0.00035 and 0.00066; TOPMed 0.00043; ExAC 0.00044.
gnomAD v4.1: 958 of 1,546,352 alleles (0.062%); highest among the groups gnomAD compares: Non-Finnish European, 0.081%; 1 homozygote.

Submissions (6):

Labcorp Genetics (formerly Invitae), Labcorp
Classification: Benign. Last evaluated: 2025-08-01. Review status: criteria provided, single submitter. Criteria: Invitae Variant Classification Sherloc (09022015). Collection method: clinical testing. Allele origin: germline.

Blueprint Genetics
Classification: Likely benign. Last evaluated: 2024-11-05. Review status: criteria provided, single submitter. Criteria: ACMG Guidelines, 2015. Collection method: clinical testing. Allele origin: germline.

ARUP Laboratories, Molecular Genetics and Genomics, ARUP Laboratories
Classification: Likely benign. Last evaluated: 2022-02-03. Review status: criteria provided, single submitter. Criteria: ARUP Molecular Germline Variant Investigation Process 2021. Collection method: clinical testing. Allele origin: germline.

GeneDx
Classification: Uncertain significance. Last evaluated: 2020-11-02. Review status: criteria provided, single submitter. Criteria: GeneDx Variant Classification Process June 2021. Collection method: clinical testing. Allele origin: germline. Affected: yes.
Comment: In-silico analysis, which includes splice predictors and evolutionary conservation, is inconclusive as to whether the variant alters gene splicing. In the absence of RNA/functional studies, the actual effect of this sequence change is unknown.; Has not been previously published as pathogenic or benign to our knowledge

Illumina Laboratory Services, Illumina
Classification: Uncertain significance for Autosomal dominant nonsyndromic hearing loss 4A. Last evaluated: 2018-01-13. Review status: criteria provided, single submitter. Criteria: ICSL Variant Classification Criteria 13 December 2019. Collection method: clinical testing. Allele origin: germline.

Dr. Peter K. Rogan Lab, Western University
No classification provided (evidence only). Condition: Ovarian serous cystadenocarcinoma. Review status: no classification provided. Collection method: in vitro. Allele origin: not applicable. Functional consequence: retained intron. Not counted in ClinVar's aggregate classification.